The following is an entry in ClinVar:

NM_002878.4(RAD51D):c.360G>A (p.Met120Ile)

Genes: RAD51L3-RFFL (RAD51L3-RFFL readthrough; minus strand), RAD51D (RAD51 paralog D; minus strand). Cytogenetic location: 17q12.
Variant type: single nucleotide variant.
Coding change: c.360G>A on transcript NM_002878.4 (MANE Select); coding-DNA position 360, G replaced by A.
Protein change: p.Met120Ile; replaces methionine 120 with isoleucine.
Molecular consequence: missense variant. On other transcripts: non-coding transcript variant (1), intron variant (1).
Genome position (GRCh38, 1-based): chr17:35,107,108, C>T on the plus strand (G>A on the coding strand, the complement: RAD51D is on the minus strand). VCF-style: chr17-35107108-C-T. GRCh37 (hg19) VCF-style: chr17-33434127-C-T.
Other names: c.420G>A, p.Met140Ile (NM_001142571.2); c.145-627G>A (NM_133629.3); short protein forms M140I, M120I.
Identifiers: ClinVar variation 823986 (VCV000823986.4), dbSNP rs1597862818, ClinGen allele CA399089382.

ClinVar aggregate classification (germline): Uncertain significance (1 of 4 stars; one submission).

Conditions:
Hereditary cancer-predisposing syndrome. Also called: Neoplastic Syndromes, Hereditary; Tumor predisposition; Hereditary neoplastic syndrome; Hereditary Cancer Syndrome. Identifiers: Orphanet 140162, MedGen C0027672, MeSH D009386, MONDO:0015356.

Submission:

Ambry Genetics
Classification: Uncertain significance for Hereditary cancer-predisposing syndrome. Last evaluated: 2018-10-18. Review status: criteria provided, single submitter. Criteria: Ambry Variant Classification Scheme 2023. Collection method: clinical testing. Allele origin: germline.
Comment: The p.M120I variant (also known as c.360G>A), located in coding exon 5 of the RAD51D gene, results from a G to A substitution at nucleotide position 360. The methionine at codon 120 is replaced by isoleucine, an amino acid with highly similar properties. This amino acid position is poorly conserved in available vertebrate species. In addition, this alteration is predicted to be tolerated by in silico analysis. Since supporting evidence is limited at this time, the clinical significance of this alteration remains unclear.